The following is an entry in ClinVar:

ClinVar aggregate classification (germline): Uncertain significance (1 of 4 stars; one submission).

Conditions:
Congenital disorder of glycosylation, type Ii. Also called: ALG2-congenital disorder of glycosylation; CDG Ii; ALG2-CDG. Identifiers: Orphanet 79326, MedGen C1842836, MONDO:0011933, OMIM 607906.
Congenital myasthenic syndrome 14. Also called: Myasthenic syndrome, congenital, 14, with tubular aggregates. Identifiers: Orphanet 353327, Orphanet 590, MedGen C4015597, MONDO:0014543, OMIM 616228.

Submission:

Labcorp Genetics (formerly Invitae), Labcorp
Classification: Uncertain significance for Congenital disorder of glycosylation, type Ii; Congenital myasthenic syndrome 14. Last evaluated: 2022-03-23. Review status: criteria provided, single submitter. Criteria: Invitae Variant Classification Sherloc (09022015). Collection method: clinical testing. Allele origin: germline.
Comment: In summary, the available evidence is currently insufficient to determine the role of this variant in disease. Therefore, it has been classified as a Variant of Uncertain Significance. Experimental studies and prediction algorithms are not available or were not evaluated, and the functional significance of this variant is currently unknown. This variant has not been reported in the literature in individuals affected with ALG2-related conditions. Information on the frequency of this variant in the gnomAD database is not available, as this variant may be reported differently in the database. This sequence change replaces arginine, which is basic and polar, with cysteine, which is neutral and slightly polar, at codon 251 of the ALG2 protein (p.Arg251Cys).

NM_033087.4(ALG2):c.750_751delinsTT (p.Arg251Cys)

Gene: ALG2 (ALG2 alpha-1,3/1,6-mannosyltransferase; minus strand). Cytogenetic location: 9q22.33.
Variant type: Indel.
Coding change: c.750_751delinsTT on transcript NM_033087.4 (MANE Select); coding-DNA positions 750 to 751, GC replaced by TT.
Protein change: p.Arg251Cys; replaces arginine 251 with cysteine.
Molecular consequence: missense variant. On other transcripts: non-coding transcript variant (1).
Genome position (GRCh38, 1-based): chr9:99,218,434-99,218,435, GC replaced by AA on the plus strand (GC replaced by TT on the coding strand, the reverse complement: ALG2 is on the minus strand). VCF-style: chr9-99218434-GC-AA. GRCh37 (hg19) VCF-style: chr9-101980716-GC-AA.
Other names: short protein forms R251C.
Identifiers: ClinVar variation 2116214 (VCV002116214.4), dbSNP rs2490383282, ClinGen allele CA2580080856.